The following is an entry in ClinVar:

ClinVar aggregate classification (germline): Uncertain significance. Review status: criteria provided, multiple submitters, no conflicts (2 of 4 stars). 2 submissions from 2 submitters: Uncertain significance (2). Last evaluated 2025-03-13.

Allele frequency attached by ClinVar (database versions not stated): gnomAD 0.00002; gnomAD exomes 0.00002; TOPMed 0.00002.
gnomAD v4.1: 38 of 1,610,144 alleles (0.0024%); highest among the groups gnomAD compares: Non-Finnish European, 0.003%; no homozygotes.

Submissions (2):

GeneDx
Classification: Uncertain significance. Last evaluated: 2025-03-13. Review status: criteria provided, single submitter. Criteria: GeneDx Variant Classification Process June 2021. Collection method: clinical testing. Allele origin: germline. Affected: yes.
Comment: In silico analysis supports that this missense variant has a deleterious effect on protein structure/function; Has not been previously published as pathogenic or benign to our knowledge

Labcorp Genetics (formerly Invitae), Labcorp
Classification: Uncertain significance. Last evaluated: 2022-08-22. Review status: criteria provided, single submitter. Criteria: Invitae Variant Classification Sherloc (09022015). Collection method: clinical testing. Allele origin: germline.
Comment: This sequence change replaces arginine, which is basic and polar, with histidine, which is basic and polar, at codon 770 of the CAD protein (p.Arg770His). The frequency data for this variant in the population databases is considered unreliable, as metrics indicate poor data quality at this position in the gnomAD database. This variant has not been reported in the literature in individuals affected with CAD-related conditions. Algorithms developed to predict the effect of missense changes on protein structure and function are either unavailable or do not agree on the potential impact of this missense change (SIFT: "Deleterious"; PolyPhen-2: "Probably Damaging"; Align-GVGD: "Class C0"). In summary, the available evidence is currently insufficient to determine the role of this variant in disease. Therefore, it has been classified as a Variant of Uncertain Significance.

NM_004341.5(CAD):c.2309G>A (p.Arg770His)

Genes: CAD (carbamoyl-phosphate synthetase 2, aspartate transcarbamylase, and dihydroorotase; plus strand), LOC126806171 (BRD4-independent group 4 enhancer GRCh37_chr2:27454350-27455549; plus strand). Cytogenetic location: 2p23.3.
Variant type: single nucleotide variant.
Coding change: c.2309G>A on transcript NM_004341.5 (MANE Select); coding-DNA position 2309, G replaced by A.
Protein change: p.Arg770His; replaces arginine 770 with histidine.
Molecular consequence: missense variant.
Genome position (GRCh38, 1-based): chr2:27,231,489, G>A. VCF-style: chr2-27231489-G-A. GRCh37 (hg19) VCF-style: chr2-27454357-G-A.
Other names: c.2309G>A (NM_004341.3); c.2120G>A, p.Arg707His (NM_001306079.2); short protein forms R707H, R770H.
Identifiers: ClinVar variation 1896728 (VCV001896728.3), dbSNP rs1048508380, ClinGen allele CA44504691.